The following is an entry in ClinVar:

NM_194318.4(B3GLCT):c.*1516A>G

Gene: B3GLCT (beta 3-glucosyltransferase; plus strand). Cytogenetic location: 13q12.3.
Variant type: single nucleotide variant.
Coding change: c.*1516A>G on transcript NM_194318.4 (MANE Select); 1516 bases downstream of the stop codon, A replaced by G.
Molecular consequence: 3 prime UTR variant.
Genome position (GRCh38, 1-based): chr13:31,331,184, A>G. VCF-style: chr13-31331184-A-G. GRCh37 (hg19) VCF-style: chr13-31905321-A-G.
Identifiers: ClinVar variation 883163 (VCV000883163.4), dbSNP rs876539, ClinGen allele CA247893119.
Genomic context (GRCh38, chr13:31,331,184, plus strand): 5'-CTCCAGAAGGATTTCTAGATCGCTTCAAGCCTATACTGATGGCCTTAGCTTTGTTCAGTC[A>G]TTGTAACTGGGATTGTTGTCATTGCTACCGTGGTAGTCACCTTCATGTCATCTATAATAG-3'

ClinVar aggregate classification (germline): Benign (1 of 4 stars; one submission).

Conditions:
Peters plus syndrome. Also called: KRAUSE-KIVLIN SYNDROME. Identifiers: Orphanet 709, MedGen C0796012, MONDO:0009856, OMIM 261540.

Allele frequency attached by ClinVar (database versions not stated): gnomAD 0.00508 and 0.00554; 1000 Genomes Project 30x 0.00578; 1000 Genomes Project 0.00579; TOPMed 0.00594.

Submission:

Illumina Laboratory Services, Illumina
Classification: Benign for Peters plus syndrome. Last evaluated: 2018-01-13. Review status: criteria provided, single submitter. Criteria: ICSL Variant Classification Criteria 13 December 2019. Collection method: clinical testing. Allele origin: germline.
Comment: This variant was observed in the ICSL laboratory as part of a predisposition screen in an ostensibly healthy population. It had not been previously curated by ICSL or reported in the Human Gene Mutation Database (HGMD: prior to June 1st, 2018), and was therefore a candidate for classification through an automated scoring system. Utilizing variant allele frequency, disease prevalence and penetrance estimates, and inheritance mode, an automated score was calculated to assess if this variant is too frequent to cause the disease. Based on the score and internal cut-off values, a variant classified as benign is not then subjected to further curation. The score for this variant resulted in a classification of benign for this disease.